The following is an entry in ClinVar:

NM_005477.3(HCN4):c.2164C>T (p.Leu722Phe)

Gene: HCN4 (hyperpolarization activated cyclic nucleotide gated potassium channel 4; minus strand). Cytogenetic location: 15q24.1.
Variant type: single nucleotide variant.
Coding change: c.2164C>T on transcript NM_005477.3 (MANE Select); coding-DNA position 2164, C replaced by T.
Protein change: p.Leu722Phe; replaces leucine 722 with phenylalanine.
Molecular consequence: missense variant.
Genome position (GRCh38, 1-based): chr15:73,323,929, G>A on the plus strand (C>T on the coding strand, the complement: HCN4 is on the minus strand). VCF-style: chr15-73323929-G-A. GRCh37 (hg19) VCF-style: chr15-73616270-G-A.
Other names: short protein forms L722F.
Identifiers: ClinVar variation 2907220 (VCV002907220.3), dbSNP rs774364558, ClinGen allele CA7649083.

ClinVar aggregate classification (germline): Uncertain significance (1 of 4 stars; one submission).

Conditions:
Brugada syndrome 8 (BRGDA8). Identifiers: Orphanet 130, MedGen C2751083, MONDO:0013148, OMIM 613123.

Allele frequency attached by ClinVar (database versions not stated): gnomAD exomes 0.00001; ExAC 0.00001.

Submission:

Labcorp Genetics (formerly Invitae), Labcorp
Classification: Uncertain significance for Brugada syndrome 8. Last evaluated: 2025-07-07. Review status: criteria provided, single submitter. Criteria: Invitae Variant Classification Sherloc (09022015). Collection method: clinical testing. Allele origin: germline.
Comment: This sequence change replaces leucine, which is neutral and non-polar, with phenylalanine, which is neutral and non-polar, at codon 722 of the HCN4 protein (p.Leu722Phe). The frequency data for this variant in the population databases is considered unreliable, as metrics indicate poor data quality at this position in the gnomAD database. This variant has not been reported in the literature in individuals affected with HCN4-related conditions. ClinVar contains an entry for this variant (Variation ID: 2907220). Invitae Evidence Modeling of protein sequence and biophysical properties (such as structural, functional, and spatial information, amino acid conservation, physicochemical variation, residue mobility, and thermodynamic stability) indicates that this missense variant is not expected to disrupt HCN4 protein function with a negative predictive value of 95%. In summary, the available evidence is currently insufficient to determine the role of this variant in disease. Therefore, it has been classified as a Variant of Uncertain Significance.